The following is an entry in ClinVar:

NM_001379270.1(CNGA1):c.1327dup (p.Thr443fs)

Genes: CNGA1 (cyclic nucleotide gated channel subunit alpha 1; minus strand), LOC101927157 (uncharacterized LOC101927157; plus strand). Cytogenetic location: 4p12.
Variant type: Duplication.
Coding change: c.1327dup on transcript NM_001379270.1 (MANE Select); coding-DNA position 1327, one base duplicated (A; older notation c.1327dupA).
Protein change: p.Thr443fs; shifts the reading frame from threonine 443.
Molecular consequence: frameshift variant.
Genome position (GRCh38, 1-based): chr4:47,937,155, T duplicated on the plus strand (A on the coding strand, the reverse complement: CNGA1 is on the minus strand); the first of 7 consecutive T bases (chr4:47,937,155-47,937,161); duplicating any one gives the same sequence. VCF-style (leftmost placement, unchanged base first): chr4-47937154-G-GT. GRCh37 (hg19) VCF-style: chr4-47939171-G-GT.
Other names: c.1339dupA (NM_000087.3); c.1327dup, p.Thr443fs (NM_000087.5, NM_001142564.2); short protein forms T443fs.
Identifiers: ClinVar variation 850020 (VCV000850020.17), dbSNP rs772867912, ClinGen allele CA2911096.

ClinVar aggregate classification (germline): Pathogenic/Likely pathogenic. Review status: criteria provided, multiple submitters, no conflicts (2 of 4 stars). 5 submissions from 5 submitters: Pathogenic (2); Likely pathogenic (3). Last evaluated 2026-07-16.

Conditions:
CNGA1-related disorder. Also called: CNGA1-related condition.
Retinitis pigmentosa 49 (RP49). Identifiers: Orphanet 791, MedGen C3151059, MONDO:0013405, OMIM 613756.

Submissions (5):

PreventionGenetics, part of Exact Sciences
Classification: Likely pathogenic for CNGA1-related condition. Last evaluated: 2026-07-16. Review status: criteria provided, single submitter. Criteria: ACMG Guidelines, 2015. Collection method: clinical testing. Allele origin: germline.
Comment: The CNGA1 c.1339dupA variant is predicted to result in a frameshift and premature protein termination (p.Thr447Asnfs*3). While this variant is predicted to cause a premature protein termination, this variant is located in the terminal exon and therefore the transcript is not expected to undergo nonsense-mediated decay. This variant has been reported along with a second protein-truncating variant in an individual with retinitis pigmentosa (supplementary data, Colombo et al. 2021. PubMed ID: 33576794). Other frameshift variants in the terminal exon of CNGA1 have been reported in individuals with retinal disease (Katagiri et al. 2014. PubMed ID: 25268133). This variant is reported in 0.079% of alleles in individuals of African descent in gnomAD. This variant is interpreted as likely pathogenic.

Labcorp Genetics (formerly Invitae), Labcorp
Classification: Pathogenic. Last evaluated: 2026-01-24. Review status: criteria provided, single submitter. Criteria: Invitae Variant Classification Sherloc (09022015). Collection method: clinical testing. Allele origin: germline.
Comment: This sequence change creates a premature translational stop signal (p.Thr447Asnfs*3) in the CNGA1 gene. While this is not anticipated to result in nonsense mediated decay, it is expected to disrupt the last 244 amino acid(s) of the CNGA1 protein. This variant is present in population databases (rs772867912, gnomAD 0.07%). This premature translational stop signal has been observed in individual(s) with retinitis pigmentosa (internal data). In at least one individual the data is consistent with being in trans (on the opposite chromosome) from a pathogenic variant. ClinVar contains an entry for this variant (Variation ID: 850020). This variant disrupts a region of the CNGA1 protein in which other variant(s) (p.Arg514*) have been determined to be pathogenic (PMID: 26306921, 30337596). This suggests that this is a clinically significant region of the protein, and that variants that disrupt it are likely to be disease-causing. For these reasons, this variant has been classified as Pathogenic.

Fulgent Genetics
Classification: Likely pathogenic for Retinitis pigmentosa 49. Last evaluated: 2024-05-29. Review status: criteria provided, single submitter. Criteria: ACMG Guidelines, 2015. Collection method: clinical testing. Allele origin: germline.

Blueprint Genetics
Classification: Pathogenic for CNGA1-related disorders. Last evaluated: 2024-03-12. Review status: criteria provided, single submitter. Criteria: ACMG Guidelines, 2015. Collection method: clinical testing. Allele origin: germline. Affected: yes. Observed: 5 variant alleles.

GeneDx
Classification: Likely pathogenic. Last evaluated: 2023-11-13. Review status: criteria provided, single submitter. Criteria: GeneDx Variant Classification Process June 2021. Collection method: clinical testing. Allele origin: germline. Affected: yes.
Comment: Frameshift variant predicted to result in protein truncation, as the last 244 amino acids are replaced with 2 different amino acids, and other loss-of-function variants have been reported downstream in the Human Gene Mutation Database (HGMD); This variant is associated with the following publications: (PMID: 33576794, 36672815)

Literature cited by the submitters: PubMed 26306921 (cited by Labcorp Genetics (formerly Invitae), Labcorp); PubMed 30337596 (cited by Labcorp Genetics (formerly Invitae), Labcorp).